The following continues an entry in ClinVar:

NM_000059.4(BRCA2):c.8567A>C (p.Glu2856Ala)

Gene: BRCA2. ClinVar aggregate classification (germline): Conflicting classifications of pathogenicity. Uncertain significance (1); Benign (16); Likely benign (13).

Submissions 21 to 43 of 43:

Institute for Biomarker Research, Medical Diagnostic Laboratories, L.L.C.
Classification: Likely benign for Hereditary breast ovarian cancer syndrome. Last evaluated: 2016-04-25. Review status: criteria provided, single submitter. Criteria: ACMG Guidelines, 2015. Collection method: clinical testing. Allele origin: germline.

Laboratory for Molecular Medicine, Mass General Brigham Personalized Medicine
Classification: Uncertain significance. Last evaluated: 2016-03-28. Review status: criteria provided, single submitter. Criteria: LMM Criteria. Collection method: clinical testing. Allele origin: germline.
Comment: Variant identified in a genome or exome case(s) and assessed due to predicted null impact of the variant or pathogenic assertions in the literature or databases. Disclaimer: This variant has not undergone full assessment. The following are preliminary notes: ClinVar: 10 labs classify as LB/Ben; ExAC: 0.1% (94/66682) European chromosomes

Clinical Genetics DNA and cytogenetics Diagnostics Lab, Erasmus MC, Erasmus Medical Center
Classification: Benign for Breast-ovarian cancer, familial, susceptibility to, 2. Last evaluated: 2015-09-21. Review status: criteria provided, single submitter. Criteria: ACGS Guidelines, 2013. Collection method: clinical testing. Allele origin: germline. Affected: yes. Study: VKGL Data-share Consensus.

Color Diagnostics, LLC DBA Color Health
Classification: Likely benign for Hereditary cancer-predisposing syndrome. Last evaluated: 2014-11-25. Review status: criteria provided, single submitter. Criteria: ACMG Guidelines, 2015. Collection method: clinical testing. Allele origin: germline.

Ambry Genetics
Classification: Benign for Hereditary cancer-predisposing syndrome. Last evaluated: 2014-11-19. Review status: criteria provided, single submitter. Criteria: Ambry Variant Classification Scheme 2023. Collection method: clinical testing. Allele origin: germline.

Molecular Genetics Laboratory, University of Michigan
Classification: Benign for Breast-ovarian cancer, familial, susceptibility to, 2. Last evaluated: 2014-11-03. Review status: criteria provided, single submitter. Criteria: ACMG Guidelines, 2015. Collection method: clinical testing. Allele origin: germline. Affected: yes.

Genome Diagnostics Laboratory, University Medical Center Utrecht
Classification: Benign for Breast-ovarian cancer, familial, susceptibility to, 2. Last evaluated: 2014-10-09. Review status: criteria provided, single submitter. Criteria: ACGS Guidelines, 2013. Collection method: clinical testing. Allele origin: germline. Affected: yes. Study: VKGL Data-share Consensus.

Women's Health and Genetics/Laboratory Corporation of America, LabCorp
Classification: Benign for Hereditary breast ovarian cancer syndrome. Last evaluated: 2014-09-29. Review status: criteria provided, single submitter. Criteria: LabCorp Variant Classification Summary - May 2015. Collection method: clinical testing. Allele origin: germline.

Eurofins Ntd Llc (ga)
Classification: Likely benign. Last evaluated: 2014-05-01. Review status: criteria provided, single submitter. Criteria: EGL Classification Definitions 2015. Collection method: clinical testing. Allele origin: germline. Observed: 2 variant alleles, 2 heterozygotes.

GeneDx
Classification: Benign. Last evaluated: 2014-01-07. Review status: criteria provided, single submitter. Criteria: GeneDx Variant Classification (06012015). Collection method: clinical testing. Allele origin: germline. Affected: yes.
Comment: This variant is considered likely benign or benign based on one or more of the following criteria: it is a conservative change, it occurs at a poorly conserved position in the protein, it is predicted to be benign by multiple in silico algorithms, and/or has population frequency not consistent with disease.

BRCAlab, Lund University
Classification: Benign for Breast-ovarian cancer, familial, susceptibility to, 2. Last evaluated: 2020-03-02. Review status: no assertion criteria provided. Collection method: clinical testing. Allele origin: germline. Affected: yes. Not counted in ClinVar's aggregate classification.

True Health Diagnostics
Classification: Likely benign for Hereditary cancer-predisposing syndrome. Last evaluated: 2017-08-14. Review status: no assertion criteria provided. Collection method: clinical testing. Allele origin: germline. Not counted in ClinVar's aggregate classification.

Pathway Genomics
Classification: Likely benign for Breast-ovarian cancer, familial 2. Last evaluated: 2014-11-06. Review status: no assertion criteria provided. Collection method: clinical testing. Allele origin: germline. Not counted in ClinVar's aggregate classification.

Counsyl
Classification: Likely benign for Breast-ovarian cancer, familial 2. Last evaluated: 2014-04-08. Review status: no assertion criteria provided. Collection method: literature only. Allele origin: unknown. Inheritance: Autosomal dominant inheritance. Not counted in ClinVar's aggregate classification.

Biesecker Lab/Clinical Genomics Section, National Institutes of Health
Classification: Likely benign. Last evaluated: 2012-07-13. Review status: no assertion criteria provided. Collection method: research. Allele origin: germline. Affected: no. Observed: 1 variant allele. Study: ClinSeq. Not counted in ClinVar's aggregate classification.
ClinVar note: Converted during submission from probably not pathogenic to Likely benign.

Sharing Clinical Reports Project (SCRP)
Classification: Benign for Breast-ovarian cancer, familial 2. Last evaluated: 2012-05-01. Review status: no assertion criteria provided. Collection method: clinical testing. Allele origin: germline. Not counted in ClinVar's aggregate classification.

Breast Cancer Information Core (BIC) (BRCA2)
Classification: Benign for Breast-ovarian cancer, familial 2. Last evaluated: 2002-05-29. Review status: no assertion criteria provided. Collection method: clinical testing. Allele origin: germline. Affected: yes. Observed: 186 variant alleles. Not counted in ClinVar's aggregate classification.

Foulkes Cancer Genetics LDI, Lady Davis Institute for Medical Research
Classification: Uncertain significance for Breast and/or ovarian cancer. Last evaluated: 2001-08-16. Review status: no assertion criteria provided. Collection method: clinical testing. Allele origin: germline. Study: The Canadian Open Genetics Repository (COGR). Not counted in ClinVar's aggregate classification.

Clinical Genetics Laboratory, Department of Pathology, Netherlands Cancer Institute
Classification: Benign. Review status: no assertion criteria provided. Collection method: clinical testing. Allele origin: germline. Affected: yes. Study: VKGL Data-share Consensus. Not counted in ClinVar's aggregate classification.

Department of Pathology and Laboratory Medicine, Sinai Health System
Classification: Benign. Review status: no assertion criteria provided. Collection method: clinical testing. Allele origin: unknown. Affected: yes. Observed: 2 variant alleles. Study: The Canadian Open Genetics Repository (COGR). Not counted in ClinVar's aggregate classification.
Comment: The p.Glu2856Ala variant is identified in the literature in 26 out of 7714 proband chromosomes (frequency 0.003) with breast, ovarian and prostate cancers, however it is also identified in 16 out of 5286 control chromosomes (frequency 0.003) (Spitzer 2000, Borg 2010, Soegaard 2008, Edwards 2003, Chenevix-Trench 2006, Evans 2008), and listed in dbSNP database as coming from a "clinical source" (ID#: rs11571747) with an average heterozygosity of 0.002+/-0.031 in various human populations, therefore increasing the likelihood of this variant to be benign. In the UMD database, this variant has been identified in two (out of 23) individuals with breast or ovarian cancers, where a second pathogenic BRCA1 or BRCA2 mutation was also detected, and also found in an breast cancer individual in the homozygous state (Chenevix-Trench 2006), further suggesting the benign nature of this variant. The p.Glu2856 residue is conserved in mammals and computational analyses (PolyPhen2, SIFT, AlignGVGD) provide inconsistent predictions regarding the impact to the protein, leaning more towards deleterious, but this information is not predictive enough to assume pathogenicity. Furthermore, Myriad genetics has reported this variant as a polymorphism increasing the likelihood this variant is benign (personal communication). Based on the above information, this variant is classified as Benign.

Diagnostic Laboratory, Department of Genetics, University Medical Center Groningen
Classification: Benign for Breast-ovarian cancer, familial, susceptibility to, 2. Review status: no assertion criteria provided. Collection method: clinical testing. Allele origin: germline. Affected: yes. Study: VKGL Data-share Consensus. Not counted in ClinVar's aggregate classification.

Joint Genome Diagnostic Labs from Nijmegen and Maastricht, Radboudumc and MUMC+
Classification: Benign. Review status: no assertion criteria provided. Collection method: clinical testing. Allele origin: germline. Affected: yes. Study: VKGL Data-share Consensus. Not counted in ClinVar's aggregate classification.

Laboratory of Diagnostic Genome Analysis, Leiden University Medical Center (LUMC)
Classification: Likely benign. Review status: no assertion criteria provided. Collection method: clinical testing. Allele origin: germline. Affected: yes. Study: VKGL Data-share Consensus. Not counted in ClinVar's aggregate classification.

Literature cited by the submitters: DOI 10.3389/fgene.2022.834265 (cited by National Health Laboratory Service, Universitas Academic Hospital and University of the Free State); PubMed 18607349 (cited by 5 submitters); PubMed 17341484 (cited by Illumina Laboratory Services, Illumina and Women's Health and Genetics/Laboratory Corporation of America, LabCorp); PubMed 10717622 (cited by Illumina Laboratory Services, Illumina and Counsyl); PubMed 16489001 (cited by 4 submitters); PubMed 12474142 (cited by 3 submitters); PubMed 17899372 (cited by Illumina Laboratory Services, Illumina and Counsyl); PubMed 20104584 (cited by 3 submitters); PubMed 15026808 (cited by 3 submitters); PubMed 21990134 (cited by 4 submitters); PubMed 23108138 (cited by Illumina Laboratory Services, Illumina and Counsyl); PubMed 18824701 (cited by 3 submitters); PubMed 21520273 (cited by Women's Health and Genetics/Laboratory Corporation of America, LabCorp and Counsyl); PubMed 10699917 (cited by Counsyl); PubMed 1990134 (cited by Counsyl); PubMed 21952622 (cited by Counsyl); PubMed 21702907 (cited by Counsyl); PubMed 19043619 (cited by Counsyl).